The following is an entry in ClinVar:

NM_002439.5(MSH3):c.2740A>G (p.Ile914Val)

Gene: MSH3 (mutS homolog 3; plus strand). Cytogenetic location: 5q14.1.
Variant type: single nucleotide variant.
Coding change: c.2740A>G on transcript NM_002439.5 (MANE Select); coding-DNA position 2740, A replaced by G.
Protein change: p.Ile914Val; replaces isoleucine 914 with valine.
Molecular consequence: missense variant.
Genome position (GRCh38, 1-based): chr5:80,813,668, A>G. VCF-style: chr5-80813668-A-G. GRCh37 (hg19) VCF-style: chr5-80109487-A-G.
Other names: short protein forms I914V.
Identifiers: ClinVar variation 757273 (VCV000757273.36), dbSNP rs148633216, ClinGen allele CA3328341.
Genomic context (GRCh38, chr5:80,813,668, plus strand): 5'-ATTACCGGACCAAACATGGGTGGAAAGAGCTCCTACATAAAACAAGTTGCATTGATTACC[A>G]TCATGGCTCAGATTGGCTCCTATGTTCCTGCAGAAGAAGCGACAATTGGGATTGTGGATG-3'
Protein context (NP_002430.3, residues 904-924): SYIKQVALIT[Ile914Val]MAQIGSYVPA

ClinVar aggregate classification (germline): Conflicting classifications of pathogenicity. Review status: criteria provided, conflicting classifications (1 of 4 stars). 10 submissions from 10 submitters: Uncertain significance (2); Benign (1); Likely benign (5). 2 of the submissions do not count toward it. Last evaluated 2026-01-31.

Conditions:
MSH3-related disorder. Also called: MSH3-related condition.
Hereditary cancer-predisposing syndrome. Also called: Hereditary Cancer Syndrome; Tumor predisposition; Hereditary neoplastic syndrome; Neoplastic Syndromes, Hereditary. Identifiers: Orphanet 140162, MedGen C0027672, MeSH D009386, MONDO:0015356.
Familial adenomatous polyposis 4 (FAP4). Also called: MSH3-related attenuated familial adenomatous polyposis. Identifiers: Orphanet 480536, MedGen C4310719, MONDO:0044300, OMIM 617100.

Allele frequency attached by ClinVar (database versions not stated): gnomAD exomes 0.00014 and 0.00034; ExAC 0.00040; ESP Exome Variant Server 0.00092; gnomAD 0.00130 and 0.00132; TOPMed 0.00144; 1000 Genomes Project 0.00319; 1000 Genomes Project 30x 0.00422.
gnomAD v4.1: 409 of 1,614,192 alleles (0.025%); highest among the groups gnomAD compares: African/African-American, 0.47%; 2 homozygotes.

Submissions (10):

Labcorp Genetics (formerly Invitae), Labcorp
Classification: Likely benign. Last evaluated: 2026-01-31. Review status: criteria provided, single submitter. Criteria: Invitae Variant Classification Sherloc (09022015). Collection method: clinical testing. Allele origin: germline.

CeGaT Center for Human Genetics Tuebingen
Classification: Likely benign. Last evaluated: 2025-08-01. Review status: criteria provided, single submitter. Criteria: CeGaT Center For Human Genetics Tuebingen Variant Classification Criteria Version 2. Collection method: clinical testing. Allele origin: germline. Affected: yes. Observed: 1 variant allele.
Comment: MSH3: BP4

Quest Diagnostics Nichols Institute San Juan Capistrano
Classification: Benign. Last evaluated: 2025-06-09. Review status: criteria provided, single submitter. Criteria: Quest Diagnostics criteria. Collection method: clinical testing. Allele origin: unknown.

Blueprint Genetics
Classification: Likely benign. Last evaluated: 2024-11-13. Review status: criteria provided, single submitter. Criteria: ACMG Guidelines, 2015. Collection method: clinical testing. Allele origin: germline.

GeneDx
Classification: Uncertain significance. Last evaluated: 2024-10-27. Review status: criteria provided, single submitter. Criteria: GeneDx Variant Classification Process June 2021. Collection method: clinical testing. Allele origin: germline. Affected: yes.
Comment: In silico analysis indicates that this missense variant does not alter protein structure/function; Observed in individuals with colorectal cancer and absent in controls (PMID: 28944238); This variant is associated with the following publications: (PMID: 28944238)

Department of Pathology and Laboratory Medicine, Sinai Health System
Classification: Likely benign for Familial adenomatous polyposis 4. Last evaluated: 2022-10-31. Review status: criteria provided, single submitter. Criteria: ACMG Guidelines, 2015. Collection method: clinical testing. Allele origin: germline. Affected: yes.

Sema4
Classification: Uncertain significance for Hereditary cancer-predisposing syndrome. Last evaluated: 2021-09-26. Review status: criteria provided, single submitter. Criteria: Sema4 Curation Guidelines. Collection method: curation. Allele origin: germline.
Comment: The MSH3 c.2740A>G (p.I914V) variant has not been reported in the literature to our knowledge. It was observed in 135/24970 chromosomes of the African/African American subpopulation in the large and broad cohorts of the Genome Aggregation Database (PMID: 32461654). The variant has been reported in ClinVar (Variation ID 757273). Functional studies have not been performed, and in silico predictions of the variant's effect on protein function are inconclusive. There is no indication that this variant causes disease, but the evidence is insufficient currently to prove that conclusively. Thus, the clinical significance of this variant is currently uncertain.

Ambry Genetics
Classification: Likely benign for Hereditary cancer-predisposing syndrome. Last evaluated: 2019-01-03. Review status: criteria provided, single submitter. Criteria: Ambry Variant Classification Scheme 2023. Collection method: clinical testing. Allele origin: germline.

Genetic Services Laboratory, University of Chicago
Classification: Likely benign. Last evaluated: 2022-10-02. Review status: no assertion criteria provided. Collection method: clinical testing. Allele origin: germline. Affected: no. Not counted in ClinVar's aggregate classification.

PreventionGenetics, part of Exact Sciences
Classification: Likely benign for MSH3-related condition. Last evaluated: 2021-12-06. Review status: no assertion criteria provided. Collection method: clinical testing. Allele origin: germline. Not counted in ClinVar's aggregate classification.
Comment: This variant is classified as likely benign based on ACMG/AMP sequence variant interpretation guidelines (Richards et al. 2015 PMID: 25741868, with internal and published modifications).

Literature cited by the submitters: PubMed 28944238 (cited by Quest Diagnostics Nichols Institute San Juan Capistrano).